The following is an entry in ClinVar:

NM_182961.4(SYNE1):c.26068A>G (p.Arg8690Gly)

Gene: SYNE1 (spectrin repeat containing nuclear envelope protein 1; minus strand). Cytogenetic location: 6q25.2.
Variant type: single nucleotide variant.
Coding change: c.26068A>G on transcript NM_182961.4 (MANE Select); coding-DNA position 26068, A replaced by G.
Protein change: p.Arg8690Gly; replaces arginine 8690 with glycine.
Molecular consequence: missense variant.
Genome position (GRCh38, 1-based): chr6:152,132,148, T>C on the plus strand (A>G on the coding strand, the complement: SYNE1 is on the minus strand). VCF-style: chr6-152132148-T-C. GRCh37 (hg19) VCF-style: chr6-152453283-T-C.
Other names: c.2674A>G, p.Arg892Gly (NM_001347701.2); c.2602A>G, p.Arg868Gly (NM_001347702.2); c.25924A>G, p.Arg8642Gly (NM_033071.5); short protein forms R8690G, R868G, R892G, R8642G.
Identifiers: ClinVar variation 1962697 (VCV001962697.5), dbSNP rs1271591319, ClinGen allele CA366075937.
Genomic context (GRCh38, chr6:152,132,148, plus strand): 5'-ATGGGCCAACTGAAAACGACCAGTGGAAAGTTACCGTTTTCTGTCTGTTTGGGGTGCTCC[T>C]TCCTGATGTGGGACTCACAGACCCTGAGGTGTCCAGTTCATCAGCAGAAGACCAGGAAGA-3'
Protein context (NP_892006.3, residues 8680-8700): TSGSVSPTSG[Arg8690Gly]STPNRQKTPR

ClinVar aggregate classification (germline): Uncertain significance (1 of 4 stars; one submission).

Conditions:
Emery-Dreifuss muscular dystrophy 4, autosomal dominant (EDMD4). Also called: EMERY-DREIFUSS MUSCULAR DYSTROPHY 4 WITH VARIABLE FEATURES. Identifiers: Orphanet 261, MedGen C2751807, MONDO:0013071, OMIM 612998.
Autosomal recessive ataxia, Beauce type. Also called: SYNE1 Deficiency; Spinocerebellar ataxia, autosomal recessive 8; ATAXIA, RECESSIVE, OF BEAUCE; SYNE1-Related Autosomal Recessive Cerebellar Ataxia. Identifiers: Orphanet 88644, MedGen C1853116, MONDO:0012549, OMIM 610743.

Allele frequency attached by ClinVar (database versions not stated): gnomAD 0.00001; TOPMed 0.00001.
gnomAD v4.1: 6 of 1,614,024 alleles (0.00037%); highest among the groups gnomAD compares: Non-Finnish European, 0.00051%; no homozygotes.

Submission:

Labcorp Genetics (formerly Invitae), Labcorp
Classification: Uncertain significance for Emery-Dreifuss muscular dystrophy 4, autosomal dominant; Autosomal recessive ataxia, Beauce type. Last evaluated: 2022-08-31. Review status: criteria provided, single submitter. Criteria: Invitae Variant Classification Sherloc (09022015). Collection method: clinical testing. Allele origin: germline.
Comment: In summary, the available evidence is currently insufficient to determine the role of this variant in disease. Therefore, it has been classified as a Variant of Uncertain Significance. Algorithms developed to predict the effect of missense changes on protein structure and function are either unavailable or do not agree on the potential impact of this missense change (SIFT: "Deleterious"; PolyPhen-2: "Probably Damaging"; Align-GVGD: "Class C0"). This variant has not been reported in the literature in individuals affected with SYNE1-related conditions. This variant is present in population databases (no rsID available, gnomAD 0.002%). This sequence change replaces arginine, which is basic and polar, with glycine, which is neutral and non-polar, at codon 8642 of the SYNE1 protein (p.Arg8642Gly).